The following is an entry in ClinVar:

ClinVar aggregate classification (germline): Conflicting classifications of pathogenicity. Review status: criteria provided, conflicting classifications (1 of 4 stars). 2 submissions from 2 submitters: Likely pathogenic (1); Uncertain significance (1). Last evaluated 2021-06-19.

Conditions:
Vanishing white matter disease. Also called: Childhood ataxia with diffuse central nervous system hypomyelination; Leukoencephalopathy with vanishing white matter; CACH/VWM syndrome; Cree leukoencehalopathy; CACH syndrome. Identifiers: Orphanet 135, Orphanet 99853, MedGen C1858991, MONDO:0800448.

Allele frequency attached by ClinVar (database versions not stated): ExAC below 0.00001; gnomAD exomes below 0.00001; TOPMed below 0.00001; ESP Exome Variant Server 0.00008.
gnomAD v4.1: 5 of 1,577,394 alleles (0.00032%); highest among the groups gnomAD compares: South Asian, 0.0012%; no homozygotes.

Submissions (2):

Labcorp Genetics (formerly Invitae), Labcorp
Classification: Uncertain significance. Last evaluated: 2021-06-19. Review status: criteria provided, single submitter. Criteria: Invitae Variant Classification Sherloc (09022015). Collection method: clinical testing. Allele origin: germline.
Comment: In summary, the available evidence is currently insufficient to determine the role of this variant in disease. Therefore, it has been classified as a Variant of Uncertain Significance. Advanced modeling of protein sequence and biophysical properties (such as structural, functional, and spatial information, amino acid conservation, physicochemical variation, residue mobility, and thermodynamic stability) performed at Invitae indicates that this missense variant is not expected to disrupt EIF2B5 protein function. This variant has not been reported in the literature in individuals with EIF2B5-related conditions. ClinVar contains an entry for this variant (Variation ID: 931047). The frequency data for this variant in the population databases is considered unreliable, as metrics indicate poor data quality at this position in the ExAC database. This sequence change replaces alanine with valine at codon 2 of the EIF2B5 protein (p.Ala2Val). The alanine residue is weakly conserved and there is a small physicochemical difference between alanine and valine.

Centre for Mendelian Genomics, University Medical Centre Ljubljana
Classification: Likely pathogenic for Leukoencephalopathy with vanishing white matter 1. Last evaluated: 2016-01-01. Review status: criteria provided, single submitter. Criteria: ACMG Guidelines, 2015. Collection method: clinical testing. Allele origin: unknown. Affected: yes.
Comment: This variant was classified as: Likely pathogenic. The following ACMG criteria were applied in classifying this variant: PS1,PM2,PP2. This variant was detected in homozygous state.

NM_003907.3(EIF2B5):c.5C>T (p.Ala2Val)

Gene: EIF2B5 (eukaryotic translation initiation factor 2B subunit epsilon; plus strand). Cytogenetic location: 3q27.1.
Variant type: single nucleotide variant.
Coding change: c.5C>T on transcript NM_003907.3 (MANE Select); coding-DNA position 5, C replaced by T.
Protein change: p.Ala2Val; replaces alanine 2 with valine.
Molecular consequence: missense variant.
Genome position (GRCh38, 1-based): chr3:184,135,390, C>T. VCF-style: chr3-184135390-C-T. GRCh37 (hg19) VCF-style: chr3-183853178-C-T.
Other names: short protein forms A2V.
Identifiers: ClinVar variation 931047 (VCV000931047.10), dbSNP rs372850426, ClinGen allele CA2726299.